The following is an entry in ClinVar:

ClinVar aggregate classification (germline): Uncertain significance (1 of 4 stars; one submission).

Conditions:
Marfan syndrome (MFS). Also called: MARFAN SYNDROME, TYPE I; Marfan syndrome type 1; Marfan's syndrome; Marfan syndrome, classic; FBN1-Related Marfan Syndrome. Identifiers: Orphanet 284963, Orphanet 558, MedGen C0024796, MONDO:0007947, OMIM 154700.

Submission:

All of Us Research Program, National Institutes of Health
Classification: Uncertain significance for Marfan syndrome. Last evaluated: 2023-06-27. Review status: criteria provided, single submitter. Criteria: ACMG Guidelines, 2015. Collection method: clinical testing. Allele origin: germline. Inheritance: Autosomal dominant inheritance. Observed: 1 variant allele, 1 heterozygote.
Comment: This study involves interpretation of variants in research participants for the purpose of population health screening. Participant phenotype was not available at the time of variant classification. Additional details can be found in publication PMID: 35346344, PMCID: PMC8962531

NM_000138.5(FBN1):c.4358C>G (p.Pro1453Arg)

Gene: FBN1 (fibrillin 1; minus strand). Cytogenetic location: 15q21.1.
Variant type: single nucleotide variant.
Coding change: c.4358C>G on transcript NM_000138.5 (MANE Select); coding-DNA position 4358, C replaced by G.
Protein change: p.Pro1453Arg; replaces proline 1453 with arginine.
Molecular consequence: missense variant.
Genome position (GRCh38, 1-based): chr15:48,470,735, G>C on the plus strand (C>G on the coding strand, the complement: FBN1 is on the minus strand). VCF-style: chr15-48470735-G-C. GRCh37 (hg19) VCF-style: chr15-48762932-G-C.
Other names: c.4358C>G, p.Pro1453Arg (NM_001406716.1); short protein forms P1453R.
Identifiers: ClinVar variation 3071450 (VCV003071450.1), dbSNP rs368650399, ClinGen allele CA392354739.